The following is an entry in ClinVar:

ClinVar aggregate classification (germline): Uncertain significance. Review status: criteria provided, multiple submitters, no conflicts (2 of 4 stars). 2 submissions from 2 submitters: Uncertain significance (2). Last evaluated 2025-03-30.

Conditions:
Inborn genetic diseases. Identifiers: MedGen C0950123, MeSH D030342.
Glycogen storage disease IXd (GSD9D). Also called: GSD IXd; Muscle Phosphorylase Kinase Deficiency. Identifiers: Orphanet 715, MedGen C1845151, MONDO:0010362, OMIM 300559.

gnomAD v4.1: 7 of 1,207,064 alleles (0.00058%); highest among the groups gnomAD compares: South Asian, 0.0018%; no homozygotes.

Submissions (2):

Ambry Genetics
Classification: Uncertain significance for Inborn genetic diseases. Last evaluated: 2025-03-30. Review status: criteria provided, single submitter. Criteria: Ambry Variant Classification Scheme 2023. Collection method: clinical testing. Allele origin: germline.

Labcorp Genetics (formerly Invitae), Labcorp
Classification: Uncertain significance for Glycogen storage disease IXd. Last evaluated: 2024-10-02. Review status: criteria provided, single submitter. Criteria: Invitae Variant Classification Sherloc (09022015). Collection method: clinical testing. Allele origin: germline.
Comment: This sequence change replaces arginine, which is basic and polar, with glutamine, which is neutral and polar, at codon 906 of the PHKA1 protein (p.Arg906Gln). This variant is present in population databases (rs781891617, gnomAD 0.003%). This variant has not been reported in the literature in individuals affected with PHKA1-related conditions. Invitae Evidence Modeling of protein sequence and biophysical properties (such as structural, functional, and spatial information, amino acid conservation, physicochemical variation, residue mobility, and thermodynamic stability) indicates that this missense variant is expected to disrupt PHKA1 protein function with a positive predictive value of 80%. In summary, the available evidence is currently insufficient to determine the role of this variant in disease. Therefore, it has been classified as a Variant of Uncertain Significance.

NM_002637.4(PHKA1):c.2717G>A (p.Arg906Gln)

Gene: PHKA1 (phosphorylase kinase regulatory subunit alpha 1; minus strand). Cytogenetic location: Xq13.1.
Variant type: single nucleotide variant.
Coding change: c.2717G>A on transcript NM_002637.4 (MANE Select); coding-DNA position 2717, G replaced by A.
Protein change: p.Arg906Gln; replaces arginine 906 with glutamine.
Molecular consequence: missense variant.
Genome position (GRCh38, 1-based): chrX:72,605,369, C>T on the plus strand (G>A on the coding strand, the complement: PHKA1 is on the minus strand). VCF-style: chrX-72605369-C-T. GRCh37 (hg19) VCF-style: chrX-71825219-C-T.
Other names: c.2717G>A, p.Arg906Gln (NM_001122670.2, NM_001431068.1); c.2540G>A, p.Arg847Gln (NM_001172436.2); c.2717G>A (NM_002637.3); short protein forms R847Q, R906Q.
Identifiers: ClinVar variation 3618951 (VCV003618951.3).